The following is an entry in ClinVar:

ClinVar aggregate classification (germline): Likely pathogenic (1 of 4 stars; one submission).

Conditions:
Familial hemophagocytic lymphohistiocytosis 3 (FHL3). Also called: UNC13D-Related Familial Hemophagocytic Lymphohistiocytosis (UNC13D-fHLH). Identifiers: Orphanet 540, MedGen C1837174, MONDO:0012146, OMIM 608898.

Submission:

Labcorp Genetics (formerly Invitae), Labcorp
Classification: Likely pathogenic for Familial hemophagocytic lymphohistiocytosis 3. Last evaluated: 2025-09-02. Review status: criteria provided, single submitter. Criteria: Invitae Variant Classification Sherloc (09022015). Collection method: clinical testing. Allele origin: germline.
Comment: This sequence change affects a splice site in intron 20 of the UNC13D gene. It is expected to disrupt RNA splicing. Variants that disrupt the donor or acceptor splice site typically lead to a loss of protein function (PMID: 16199547), and loss-of-function variants in UNC13D are known to be pathogenic (PMID: 14622600). This variant is not present in population databases (gnomAD no frequency). This variant has not been reported in the literature in individuals affected with UNC13D-related conditions. ClinVar contains an entry for this variant (Variation ID: 2971778). Algorithms developed to predict the effect of sequence changes on RNA splicing suggest that this variant may disrupt the consensus splice site. In summary, the currently available evidence indicates that the variant is pathogenic, but additional data are needed to prove that conclusively. Therefore, this variant has been classified as Likely Pathogenic.

Literature cited by the submitters: PubMed 16199547; PubMed 14622600.

NM_199242.3(UNC13D):c.1848+2_1848+4del

Gene: UNC13D (unc-13 homolog D; minus strand). Cytogenetic location: 17q25.1.
Variant type: Deletion.
Coding change: c.1848+2_1848+4del on transcript NM_199242.3 (MANE Select); the canonical splice donor site of the intron after coding-DNA position 1848 through 4 bases into the intron after coding-DNA position 1848, 3 bases deleted (TGG; older notation c.1848+2_1848+4delTGG).
Molecular consequence: splice donor variant.
Genome position (GRCh38, 1-based): chr17:75,835,405-75,835,407, CCA deleted on the plus strand (TGG on the coding strand, the reverse complement: UNC13D is on the minus strand); deleting any 3 consecutive bases within chr17:75,835,405-75,835,409 gives the same sequence; the c. name uses the placement nearest the transcript's 3' end. VCF-style (leftmost placement, unchanged base first): chr17-75835404-CCCA-C. GRCh37 (hg19) VCF-style: chr17-73831485-CCCA-C.
Identifiers: ClinVar variation 2971778 (VCV002971778.3), dbSNP rs2545981234, ClinGen allele CA2576393014.